The following is an entry in ClinVar:

ClinVar aggregate classification (germline): Pathogenic (1 of 4 stars; one submission).

Conditions:
PURA-related severe neonatal hypotonia-seizures-encephalopathy syndrome (NEDRIHF). Also called: NEURODEVELOPMENTAL DISORDER WITH NEONATAL RESPIRATORY INSUFFICIENCY, HYPOTONIA, AND FEEDING DIFFICULTIES; PURA-Related Neurodevelopmental Disorders. Identifiers: Orphanet 438213, Orphanet 438216, MedGen C4015357, MONDO:1060108, OMIM 616158, MONDO:0018580.

Submission:

Labcorp Genetics (formerly Invitae), Labcorp
Classification: Pathogenic for PURA-related severe neonatal hypotonia-seizures-encephalopathy syndrome. Last evaluated: 2022-08-08. Review status: criteria provided, single submitter. Criteria: Invitae Variant Classification Sherloc (09022015). Collection method: clinical testing. Allele origin: germline.
Comment: For these reasons, this variant has been classified as Pathogenic. This variant disrupts a region of the PURA protein in which other variant(s) (p.Pro260Arg) have been determined to be pathogenic (PMID: 32238909). This suggests that this is a clinically significant region of the protein, and that variants that disrupt it are likely to be disease-causing. This variant has not been reported in the literature in individuals affected with PURA-related conditions. This variant is not present in population databases (gnomAD no frequency). This sequence change creates a premature translational stop signal (p.Ser127Argfs*74) in the PURA gene. While this is not anticipated to result in nonsense mediated decay, it is expected to disrupt the last 196 amino acid(s) of the PURA protein.

Literature cited by the submitters: PubMed 32238909.

NM_005859.5(PURA):c.380dup (p.Ser127fs)

Genes: PURA (purine rich element binding protein A; plus strand), LOC129994826 (ATAC-STARR-seq lymphoblastoid active region 23260; plus strand). Cytogenetic location: 5q31.3.
Variant type: Duplication.
Coding change: c.380dup on transcript NM_005859.5 (MANE Select); coding-DNA position 380, one base duplicated (G; older notation c.380dupG).
Protein change: p.Ser127fs; shifts the reading frame from serine 127.
Molecular consequence: frameshift variant.
Genome position (GRCh38, 1-based): chr5:140,114,561, G duplicated. VCF-style (leftmost placement, unchanged base first): chr5-140114560-A-AG. GRCh37 (hg19) VCF-style: chr5-139494145-A-AG.
Other names: short protein forms S127fs.
Identifiers: ClinVar variation 2022803 (VCV002022803.4), dbSNP rs2479505036, ClinGen allele CA2580072963.